The following is an entry in ClinVar:

NM_001283009.2(RTEL1):c.2387del (p.Val796fs)

Genes: RTEL1-TNFRSF6B (RTEL1-TNFRSF6B readthrough (NMD candidate); plus strand), RTEL1 (regulator of telomere elongation helicase 1; plus strand). Cytogenetic location: 20q13.33.
Variant type: Deletion.
Coding change: c.2387del on transcript NM_001283009.2 (MANE Select); coding-DNA position 2387, one base deleted (T; older notation c.2387delT).
Protein change: p.Val796fs; shifts the reading frame from valine 796.
Molecular consequence: frameshift variant. On other transcripts: non-coding transcript variant (1).
Genome position (GRCh38, 1-based): chr20:63,690,415, T deleted. VCF-style (leftmost placement, unchanged base first): chr20-63690414-GT-G. GRCh37 (hg19) VCF-style: chr20-62321767-GT-G.
Other names: c.1718del, p.Val573fs (NM_001283010.1); c.2387del, p.Val796fs (NM_016434.4); c.2459del, p.Val820fs (NM_032957.5); short protein forms V820fs, V796fs, V573fs.
Identifiers: ClinVar variation 1455181 (VCV001455181.8), dbSNP rs2145432198, ClinGen allele CA2573157233.

ClinVar aggregate classification (germline): Pathogenic (1 of 4 stars; one submission).

Conditions:
Dyskeratosis congenita, autosomal recessive 5 (DKCB5). Identifiers: MedGen C3554656, MONDO:0014076, OMIM 615190.
Pulmonary fibrosis and/or bone marrow failure, Telomere-related, 3. Also called: PULMONARY FIBROSIS AND/OR BONE MARROW FAILURE SYNDROME, TELOMERE-RELATED, 3. Identifiers: Orphanet 2032, MedGen C4225346, MONDO:0014613, OMIM 616373.

Submission:

Labcorp Genetics (formerly Invitae), Labcorp
Classification: Pathogenic for Dyskeratosis congenita, autosomal recessive 5; Pulmonary fibrosis and/or bone marrow failure, Telomere-related, 3. Last evaluated: 2021-07-28. Review status: criteria provided, single submitter. Criteria: Invitae Variant Classification Sherloc (09022015). Collection method: clinical testing. Allele origin: germline.
Comment: For these reasons, this variant has been classified as Pathogenic. This variant has been observed as heterozygous in individual(s) with bone marrow failure and short telomeres (PMID: 28507545). This variant is not present in population databases (ExAC no frequency). This sequence change creates a premature translational stop signal (p.Val796Alafs*4) in the RTEL1 gene. It is expected to result in an absent or disrupted protein product. Loss-of-function variants in RTEL1 are known to be pathogenic (PMID: 23453664, 23959892, 25607374).

Literature cited by the submitters: PubMed 28507545; PubMed 23453664; PubMed 23959892; PubMed 25607374.